The following is an entry in ClinVar:

ClinVar aggregate classification (germline): Uncertain significance (1 of 4 stars; one submission).

Conditions:
Ehlers-Danlos syndrome, type 4 (EDSVASC). Also called: Ehlers-Danlos syndrome vascular type; Ehlers Danlos syndrome, ecchymotic type; Ehlers Danlos syndrome, arterial type; Ehlers Danlos syndrome, Sack-Barabas type; Ehlers-Danlos Syndrome Type IV. Identifiers: Orphanet 286, MedGen C0268338, MONDO:0017314, OMIM 130050.

Submission:

Labcorp Genetics (formerly Invitae), Labcorp
Classification: Uncertain significance for Ehlers-Danlos syndrome, type 4. Last evaluated: 2022-06-20. Review status: criteria provided, single submitter. Criteria: Invitae Variant Classification Sherloc (09022015). Collection method: clinical testing. Allele origin: germline.
Comment: This variant is not present in population databases (gnomAD no frequency). In summary, the available evidence is currently insufficient to determine the role of this variant in disease. Therefore, it has been classified as a Variant of Uncertain Significance. Advanced modeling of protein sequence and biophysical properties (such as structural, functional, and spatial information, amino acid conservation, physicochemical variation, residue mobility, and thermodynamic stability) performed at Invitae indicates that this missense variant is not expected to disrupt COL3A1 protein function. This variant has not been reported in the literature in individuals affected with COL3A1-related conditions. This sequence change replaces glycine, which is neutral and non-polar, with arginine, which is basic and polar, at codon 8 of the COL3A1 protein (p.Gly8Arg).

NM_000090.4(COL3A1):c.22G>A (p.Gly8Arg)

Gene: COL3A1 (collagen type III alpha 1 chain; plus strand). Cytogenetic location: 2q32.2.
Variant type: single nucleotide variant.
Coding change: c.22G>A on transcript NM_000090.4 (MANE Select); coding-DNA position 22, G replaced by A.
Protein change: p.Gly8Arg; replaces glycine 8 with arginine.
Molecular consequence: missense variant.
Genome position (GRCh38, 1-based): chr2:188,974,511, G>A. VCF-style: chr2-188974511-G-A. GRCh37 (hg19) VCF-style: chr2-189839237-G-A.
Other names: short protein forms G8R.
Identifiers: ClinVar variation 1390104 (VCV001390104.8), dbSNP rs1687765852, ClinGen allele CA349845383.